The following is an entry in ClinVar:

ClinVar aggregate classification (germline): Uncertain significance (1 of 4 stars; one submission).

Submission:

Labcorp Genetics (formerly Invitae), Labcorp
Classification: Uncertain significance. Last evaluated: 2023-10-03. Review status: criteria provided, single submitter. Criteria: Invitae Variant Classification Sherloc (09022015). Collection method: clinical testing. Allele origin: germline.
Comment: This sequence change replaces lysine, which is basic and polar, with asparagine, which is neutral and polar, at codon 2082 of the SON protein (p.Lys2082Asn). This variant is not present in population databases (gnomAD no frequency). This variant has not been reported in the literature in individuals affected with SON-related conditions. ClinVar contains an entry for this variant (Variation ID: 1930718). Experimental studies and prediction algorithms are not available or were not evaluated, and the functional significance of this variant is currently unknown. In summary, the available evidence is currently insufficient to determine the role of this variant in disease. Therefore, it has been classified as a Variant of Uncertain Significance.

NM_138927.4(SON):c.6246G>T (p.Lys2082Asn)

Gene: SON (SON DNA and RNA binding protein; plus strand). Cytogenetic location: 21q22.11.
Variant type: single nucleotide variant.
Coding change: c.6246G>T on transcript NM_138927.4 (MANE Select); coding-DNA position 6246, G replaced by T.
Protein change: p.Lys2082Asn; replaces lysine 2082 with asparagine.
Molecular consequence: missense variant. On other transcripts: non-coding transcript variant (1).
Genome position (GRCh38, 1-based): chr21:33,557,241, G>T. VCF-style: chr21-33557241-G-T. GRCh37 (hg19) VCF-style: chr21-34929547-G-T.
Other names: c.6246G>T, p.Lys2082Asn (NM_001291411.2, NM_001412133.1, NM_032195.3 and 2 more transcripts); c.330G>T, p.Lys110Asn (NM_001291412.3, NM_001412132.1); short protein forms K110N, K2082N.
Identifiers: ClinVar variation 1930718 (VCV001930718.5), dbSNP rs2517402702, ClinGen allele CA410166507.